The following is an entry in ClinVar:

ClinVar aggregate classification (germline): Conflicting classifications of pathogenicity. Review status: criteria provided, conflicting classifications (1 of 4 stars). 6 submissions from 6 submitters: Uncertain significance (1); Benign (1); Likely benign (4). Last evaluated 2026-06-16.

Conditions:
Polyps, multiple and recurrent inflammatory fibroid, gastrointestinal. Identifiers: MedGen C5193005, MONDO:0008285, OMIM 175510.
Hereditary cancer-predisposing syndrome. Also called: Hereditary neoplastic syndrome; Hereditary Cancer Syndrome; Neoplastic Syndromes, Hereditary; Tumor predisposition. Identifiers: Orphanet 140162, MedGen C0027672, MeSH D009386, MONDO:0015356.
Gastrointestinal stromal tumor. Also called: Gastrointestinal stroma tumor; Gastrointestinal stromal tumor, somatic. Identifiers: Orphanet 44890, MedGen C0238198, MeSH D046152, MONDO:0011719, OMIM 606764, HP:0100723.
PDGFRA-related disorder. Also called: PDGFRA-related condition.

Allele frequency attached by ClinVar (database versions not stated): gnomAD 0.00001; gnomAD exomes 0.00001 and 0.00002; TOPMed 0.00001; ExAC 0.00002; ESP Exome Variant Server 0.00008.
gnomAD v4.1: 22 of 1,613,984 alleles (0.0014%); highest among the groups gnomAD compares: Middle Eastern, 0.016%; no homozygotes.

Submissions (6):

Myriad Genetics, Inc.
Classification: Benign for Polyps, multiple and recurrent inflammatory fibroid, gastrointestinal. Last evaluated: 2026-06-16. Review status: criteria provided, single submitter. Criteria: Myriad Autosomal Dominant, Autosomal Recessive and X-Linked Classification Criteria (2023). Collection method: clinical testing. Allele origin: unknown.
Comment: This variant is considered benign. This variant is intronic and is not expected to impact mRNA splicing. This variant has been observed at a population frequency that is significantly greater than expected given the associated disease prevalence and penetrance.

Labcorp Genetics (formerly Invitae), Labcorp
Classification: Likely benign for Gastrointestinal stromal tumor. Last evaluated: 2025-11-10. Review status: criteria provided, single submitter. Criteria: Invitae Variant Classification Sherloc (09022015). Collection method: clinical testing. Allele origin: germline.

PreventionGenetics, part of Exact Sciences
Classification: Likely benign for PDGFRA-related condition. Last evaluated: 2025-10-27. Review status: criteria provided, single submitter. Criteria: ACMG Guidelines, 2015. Collection method: clinical testing. Allele origin: germline.
Comment: This variant is classified as likely benign based on ACMG/AMP sequence variant interpretation guidelines (Richards et al. 2015 PMID: 25741868, with internal and published modifications).

Dasa
Classification: Uncertain significance. Last evaluated: 2025-07-24. Review status: criteria provided, single submitter. Criteria: DASA Assertion Criteria. Collection method: clinical testing. Allele origin: germline.
Comment: NM_006206.6(PDGFRA):c.760-4G>A is a splice-region variant. This variant is rare in population databases. Computational prediction algorithms are consistent with a benign effect. The currently available literature and clinical evidence are not sufficient to establish a definitive association between this variant and the reported condition. Therefore, this variant is classified as a variant of uncertain significance.

Ambry Genetics
Classification: Likely benign for Hereditary cancer-predisposing syndrome. Last evaluated: 2024-03-20. Review status: criteria provided, single submitter. Criteria: Ambry Variant Classification Scheme 2023. Collection method: clinical testing. Allele origin: germline.

Blueprint Genetics
Classification: Likely benign. Last evaluated: 2024-01-17. Review status: criteria provided, single submitter. Criteria: ACMG Guidelines, 2015. Collection method: clinical testing. Allele origin: germline.

NM_006206.6(PDGFRA):c.760-4G>A

Gene: PDGFRA (platelet derived growth factor receptor alpha; plus strand). Cytogenetic location: 4q12.
Variant type: single nucleotide variant.
Coding change: c.760-4G>A on transcript NM_006206.6 (MANE Select); 4 bases into the intron before coding-DNA position 760, G replaced by A.
Molecular consequence: intron variant.
Genome position (GRCh38, 1-based): chr4:54,267,285, G>A. VCF-style: chr4-54267285-G-A. GRCh37 (hg19) VCF-style: chr4-55133452-G-A.
Other names: c.760-4G>A (NM_006206.5, NM_001347827.2, NM_001347829.2); c.835-4G>A (NM_001347828.2); c.799-4G>A (NM_001347830.2).
Identifiers: ClinVar variation 528698 (VCV000528698.21), dbSNP rs369165611, ClinGen allele CA2922385.
Genomic context (GRCh38, chr4:54,267,285, plus strand): 5'-ATCTTAGAGTTCACTCCTAGGAGCGAGCTTTTTAAAAGTCGGTTTTCTTCCCCTTTTGCT[G>A]TAGAAAGGCAAAGGCATCACAATGCTGGAAGAAATCAAAGTCCCATCCATCAAATTGGTG-3'